The following is an entry in ClinVar:

NM_152743.4(BRAT1):c.1084G>A (p.Ala362Thr)

Gene: BRAT1 (BRCA1 associated ATM activator 1; minus strand). Cytogenetic location: 7p22.3.
Variant type: single nucleotide variant.
Coding change: c.1084G>A on transcript NM_152743.4 (MANE Select); coding-DNA position 1084, G replaced by A.
Protein change: p.Ala362Thr; replaces alanine 362 with threonine.
Molecular consequence: missense variant. On other transcripts: non-coding transcript variant (1).
Genome position (GRCh38, 1-based): chr7:2,541,768, C>T on the plus strand (G>A on the coding strand, the complement: BRAT1 is on the minus strand). VCF-style: chr7-2541768-C-T. GRCh37 (hg19) VCF-style: chr7-2581402-C-T.
Other names: c.1084G>A, p.Ala362Thr (NM_001350626.2); c.559G>A, p.Ala187Thr (NM_001350627.2); short protein forms A362T, A187T.
Identifiers: ClinVar variation 2160962 (VCV002160962.1), dbSNP rs763846831, ClinGen allele CA4127942.

ClinVar aggregate classification (germline): Uncertain significance (1 of 4 stars; one submission).

Conditions:
Neonatal-onset encephalopathy with rigidity and seizures. Also called: Lethal neonatal spasticity-epileptic encephalopathy syndrome. Identifiers: Orphanet 435845, MedGen C3281029, MONDO:0013784, OMIM 614498.

Allele frequency attached by ClinVar (database versions not stated): ExAC 0.00001; gnomAD exomes 0.00001; TOPMed 0.00002.

Submission:

Labcorp Genetics (formerly Invitae), Labcorp
Classification: Uncertain significance for Neonatal-onset encephalopathy with rigidity and seizures. Last evaluated: 2022-04-07. Review status: criteria provided, single submitter. Criteria: Invitae Variant Classification Sherloc (09022015). Collection method: clinical testing. Allele origin: germline.
Comment: This sequence change replaces alanine, which is neutral and non-polar, with threonine, which is neutral and polar, at codon 362 of the BRAT1 protein (p.Ala362Thr). This variant is present in population databases (rs763846831, gnomAD 0.009%). This variant has not been reported in the literature in individuals affected with BRAT1-related conditions. Algorithms developed to predict the effect of missense changes on protein structure and function (SIFT, PolyPhen-2, Align-GVGD) all suggest that this variant is likely to be tolerated. In summary, the available evidence is currently insufficient to determine the role of this variant in disease. Therefore, it has been classified as a Variant of Uncertain Significance.